The following is an entry in ClinVar:

NM_001371727.1(GABRB2):c.872A>C (p.His291Pro)

Gene: GABRB2 (gamma-aminobutyric acid type A receptor subunit beta2; minus strand). Cytogenetic location: 5q34.
Variant type: single nucleotide variant.
Coding change: c.872A>C on transcript NM_001371727.1 (MANE Select); coding-DNA position 872, A replaced by C.
Protein change: p.His291Pro; replaces histidine 291 with proline.
Molecular consequence: missense variant.
Genome position (GRCh38, 1-based): chr5:161,331,088, T>G on the plus strand (A>C on the coding strand, the complement: GABRB2 is on the minus strand). VCF-style: chr5-161331088-T-G. GRCh37 (hg19) VCF-style: chr5-160758095-T-G.
Other names: c.872A>C, p.His291Pro (NM_000813.3, NM_021911.3); short protein forms H291P.
Identifiers: ClinVar variation 3775765 (VCV003775765.1).

ClinVar aggregate classification (germline): Uncertain significance (1 of 4 stars; one submission).

Conditions:
Developmental and epileptic encephalopathy 92. Also called: EPILEPTIC ENCEPHALOPATHY, INFANTILE OR EARLY CHILDHOOD, 2. Identifiers: MedGen C4693362, MONDO:0020631, OMIM 617829.

Submission:

3billion
Classification: Uncertain significance for Developmental and epileptic encephalopathy 92. Last evaluated: 2024-02-15. Review status: criteria provided, single submitter. Criteria: ACMG Guidelines, 2015. Collection method: clinical testing. Allele origin: germline. Affected: yes.
Comment: The variant is not observed in the gnomAD v2.1.1 dataset. Predicted Consequence/Location: Missense changes are a common disease-causing mechanism. In silico tool predictions suggest damaging effect of the variant on gene or gene product [REVEL: 0.95 (>=0.6, sensitivity 0.68 and specificity 0.92); 3Cnet: 1.00 (>=0.6, sensitivity 0.72 and precision 0.9)]. Therefore, this variant is classified as VUS according to the recommendation of ACMG/AMP guideline.